The following is an entry in ClinVar:

ClinVar aggregate classification (germline): Likely pathogenic (1 of 4 stars; one submission).

Conditions:
Fanconi anemia complementation group A (FANCA). Also called: Fanconi anemia, group A; FANCA-Related Fanconi Anemia. Identifiers: Orphanet 84, MedGen C3469521, MONDO:0009215, OMIM 227650.

Submission:

Juno Genomics, Hangzhou Juno Genomics, Inc
Classification: Likely pathogenic for Fanconi anemia complementation group A. Review status: criteria provided, single submitter. Criteria: ACMG Guidelines, 2015. Collection method: clinical testing. Allele origin: germline.
Comment: Absent from controls (or at extremely low frequency if recessive) in Genome Aggregation Database.;Null variant in a gene where loss of function (LOF) is a known mechanism of disease.

NM_000135.4(FANCA):c.1249C>T (p.Gln417Ter)

Gene: FANCA (FA complementation group A; minus strand). Cytogenetic location: 16q24.3.
Variant type: single nucleotide variant.
Coding change: c.1249C>T on transcript NM_000135.4 (MANE Select); coding-DNA position 1249, C replaced by T.
Protein change: p.Gln417Ter; replaces glutamine 417 with a stop codon.
Molecular consequence: nonsense.
Genome position (GRCh38, 1-based): chr16:89,791,513, G>A on the plus strand (C>T on the coding strand, the complement: FANCA is on the minus strand). VCF-style: chr16-89791513-G-A. GRCh37 (hg19) VCF-style: chr16-89857921-G-A.
Other names: c.1249C>T, p.Gln417Ter (NM_001286167.3); short protein forms Q417*.
Identifiers: ClinVar variation 5019454 (VCV005019454.2).
Genomic context (GRCh38, chr16:89,791,513, plus strand): 5'-CCTGGCGCACAACCAGGAACGCAGTGACCATGCTGTCCAGCTGGCAGCTCTCGAATGCCT[G>A]GGCCATCAAACGCGCCACCCAGTCTAGTTAAGAACCATGACATAGTCACAGCAAGGCAAG-3'